The following is an entry in ClinVar:

ClinVar aggregate classification (germline): Benign (0 of 4 stars; one submission).

Conditions:
SHROOM2-related disorder. Also called: SHROOM2-related condition.

Allele frequency attached by ClinVar (database versions not stated): gnomAD exomes 0.02249; ExAC 0.06417; ESP Exome Variant Server 0.07886; gnomAD 0.07961; TOPMed 0.09712; 1000 Genomes Project 30x 0.14256; 1000 Genomes Project 0.14490.
gnomAD v4.1: 34,432 of 1,210,718 alleles (2.8%); highest among the groups gnomAD compares: East Asian, 36%; 2,795 homozygotes.

Submission:

PreventionGenetics, part of Exact Sciences
Classification: Benign for SHROOM2-related condition. Last evaluated: 2024-08-02. Review status: no assertion criteria provided. Collection method: clinical testing. Allele origin: germline.
Comment: This variant is classified as benign based on ACMG/AMP sequence variant interpretation guidelines (Richards et al. 2015 PMID: 25741868, with internal and published modifications).

NM_001649.4(SHROOM2):c.4423A>G (p.Ile1475Val)

Gene: SHROOM2 (shroom family member 2; plus strand). Cytogenetic location: Xp22.2.
Variant type: single nucleotide variant.
Coding change: c.4423A>G on transcript NM_001649.4 (MANE Select); coding-DNA position 4423, A replaced by G.
Protein change: p.Ile1475Val; replaces isoleucine 1475 with valine.
Molecular consequence: missense variant.
Genome position (GRCh38, 1-based): chrX:9,944,752, A>G. VCF-style: chrX-9944752-A-G. GRCh37 (hg19) VCF-style: chrX-9912792-A-G.
Other names: c.928A>G, p.Ile310Val (NM_001320663.2); c.925A>G, p.Ile309Val (NM_001320664.2); short protein forms I1475V, I309V, I310V.
Identifiers: ClinVar variation 3037305 (VCV003037305.2), dbSNP rs12012202, ClinGen allele CA10345967.